The following is an entry in ClinVar:

NM_002087.4(GRN):c.1460C>T (p.Thr487Ile)

Gene: GRN (granulin precursor; plus strand). Cytogenetic location: 17q21.31.
Variant type: single nucleotide variant.
Coding change: c.1460C>T on transcript NM_002087.4 (MANE Select); coding-DNA position 1460, C replaced by T.
Protein change: p.Thr487Ile; replaces threonine 487 with isoleucine.
Molecular consequence: missense variant.
Genome position (GRCh38, 1-based): chr17:44,352,387, C>T. VCF-style: chr17-44352387-C-T. GRCh37 (hg19) VCF-style: chr17-42429755-C-T.
Other names: short protein forms T487I.
Identifiers: ClinVar variation 1521048 (VCV001521048.7), dbSNP rs772784579, ClinGen allele CA8602215.
Genomic context (GRCh38, chr17:44,352,387, plus strand): 5'-CCCTTCCCCGCCAGGCTGTGTGCTGCGAGGATCGCCAGCACTGCTGCCCGGCTGGCTACA[C>T]CTGCAACGTGAAGGCTCGATCCTGCGAGAAGGAAGTGGTCTCTGCCCAGCCTGCCACCTT-3'
Protein context (NP_002078.1, residues 477-497): DRQHCCPAGY[Thr487Ile]CNVKARSCEK

ClinVar aggregate classification (germline): Uncertain significance. Review status: criteria provided, multiple submitters, no conflicts (2 of 4 stars). 2 submissions from 2 submitters: Uncertain significance (2). Last evaluated 2025-08-17.

Conditions:
GRN-related frontotemporal lobar degeneration with Tdp43 inclusions (FTD2). Also called: GRN Frontotemporal Dementia; DEMENTIA, HEREDITARY DYSPHASIC DISINHIBITION; FRONTOTEMPORAL LOBAR DEGENERATION WITH UBIQUITIN-POSITIVE INCLUSIONS; FTLD-TDP, GRN-RELATED; FRONTOTEMPORAL DEMENTIA WITH TDP43 INCLUSIONS, GRN-RELATED. Identifiers: Orphanet 100070, Orphanet 282, MedGen C1843792, MONDO:0011842, OMIM 607485. Disease mechanism: loss of function.
Neuronal ceroid lipofuscinosis 11. Also called: GRN-Related Neuronal Ceroid-Lipofuscinosis. Identifiers: Orphanet 314629, Orphanet 79262, MedGen C3539123, MONDO:0013866, OMIM 614706.

Allele frequency attached by ClinVar (database versions not stated): gnomAD 0.00001; TOPMed 0.00001.

Submissions (2):

Labcorp Genetics (formerly Invitae), Labcorp
Classification: Uncertain significance for Neuronal ceroid lipofuscinosis 11; GRN-related frontotemporal lobar degeneration with Tdp43 inclusions. Last evaluated: 2025-08-17. Review status: criteria provided, single submitter. Criteria: Invitae Variant Classification Sherloc (09022015). Collection method: clinical testing. Allele origin: germline.
Comment: This sequence change replaces threonine, which is neutral and polar, with isoleucine, which is neutral and non-polar, at codon 487 of the GRN protein (p.Thr487Ile). This variant is present in population databases (rs772784579, gnomAD 0.004%). This missense change has been observed in individual(s) with atypical parkinsonism and progressive memory impairment and/or clinical features of amyotrophic lateral sclerosis (PMID: 29530724, 34275688). ClinVar contains an entry for this variant (Variation ID: 1521048). Invitae Evidence Modeling of protein sequence and biophysical properties (such as structural, functional, and spatial information, amino acid conservation, physicochemical variation, residue mobility, and thermodynamic stability) indicates that this missense variant is not expected to disrupt GRN protein function with a negative predictive value of 80%. Experimental studies have shown that this missense change affects GRN function (PMID: 29530724). In summary, the available evidence is currently insufficient to determine the role of this variant in disease. Therefore, it has been classified as a Variant of Uncertain Significance.

Blueprint Genetics
Classification: Uncertain significance. Last evaluated: 2020-01-20. Review status: criteria provided, single submitter. Criteria: ACMG Guidelines, 2015. Collection method: clinical testing. Allele origin: germline.

Literature cited by the submitters: PubMed 29530724 (cited by Labcorp Genetics (formerly Invitae), Labcorp); PubMed 34275688 (cited by Labcorp Genetics (formerly Invitae), Labcorp).